The following is an entry in ClinVar:

ClinVar aggregate classification (germline): Likely benign (1 of 4 stars; one submission).

Submissions (3):

CeGaT Center for Human Genetics Tuebingen
Classification: Likely benign. Last evaluated: 2025-10-01. Review status: criteria provided, single submitter. Criteria: CeGaT Center For Human Genetics Tuebingen Variant Classification Criteria Version 2. Collection method: clinical testing. Allele origin: germline. Affected: yes. Observed: 1 variant allele.
Comment: DPP9: BP4, BP7

Dr. Peter K. Rogan Lab, Western University
No classification provided (evidence only). Condition: Thyroid cancer, nonmedullary, 1. Review status: no classification provided. Collection method: in vitro. Allele origin: not applicable. Functional consequence: retained intron. Not counted in ClinVar's aggregate classification.

Dr. Peter K. Rogan Lab, Western University
No classification provided (evidence only). Condition: Uveal melanoma. Review status: no classification provided. Collection method: in vitro. Allele origin: not applicable. Functional consequence: retained intron. Not counted in ClinVar's aggregate classification.

NM_139159.5(DPP9):c.1896G>A (p.Pro632=)

Genes: DPP9 (dipeptidyl peptidase 9; minus strand), DPP9-AS1 (DPP9 antisense RNA 1; plus strand). Cytogenetic location: 19p13.3.
Variant type: single nucleotide variant.
Coding change: c.1896G>A on transcript NM_139159.5 (MANE Select); coding-DNA position 1896, G replaced by A.
Protein change: p.Pro632=; no amino-acid change (proline 632 retained).
Molecular consequence: synonymous variant. On other transcripts: non-coding transcript variant (10), intron variant (1).
Genome position (GRCh38, 1-based): chr19:4,685,761, C>T on the plus strand (G>A on the coding strand, the complement: DPP9 is on the minus strand). VCF-style: chr19-4685761-C-T. GRCh37 (hg19) VCF-style: chr19-4685773-C-T.
Other names: NC_000019.9:g.4685773C>T; c.1896G>A, p.Pro632= (NM_001384611.1, NM_001384612.1, NM_001384613.1 and 7 more transcripts); c.1863G>A, p.Pro621= (NM_001384619.1); c.1857G>A, p.Pro619= (NM_001384620.1, NM_001384621.1); c.1809G>A, p.Pro603= (NM_001384623.1, NM_001384624.1, NM_001384625.1 and 2 more transcripts); c.1656G>A, p.Pro552= (NM_001384631.1); c.1886-17G>A (NM_001384618.1).
Identifiers: ClinVar variation 4442169 (VCV004442169.7).
Genomic context (GRCh38, chr19:4,685,761, plus strand): 5'-GCCGTAGAGCCGCACATCCGAGCGCGTGTGGAAATGGAAGATCTCTGGAGGAACATAATC[C>T]GGGGGGCAGCCTGCGGGAGACAGGGCGGCTATCTGGCTGCCCGGGGAAGCCACATCCAGC-3'
Protein context (NP_631898.3, residues 622-642): ASMMEAASCP[Pro632=]DYVPPEIFHF